The following is an entry in ClinVar:

ClinVar aggregate classification (germline): Uncertain significance (1 of 4 stars; one submission).

Conditions:
Hereditary cancer-predisposing syndrome. Also called: Neoplastic Syndromes, Hereditary; Tumor predisposition; Hereditary neoplastic syndrome; Hereditary Cancer Syndrome. Identifiers: Orphanet 140162, MedGen C0027672, MeSH D009386, MONDO:0015356.

Submission:

Ambry Genetics
Classification: Uncertain significance for Hereditary cancer-predisposing syndrome. Last evaluated: 2026-08-31. Review status: criteria provided, single submitter. Criteria: Ambry Variant Classification Scheme 2023. Collection method: clinical testing. Allele origin: germline.
Comment: The p.S1588L variant (also known as c.4763C>T), located in coding exon 15 of the APC gene, results from a C to T substitution at nucleotide position 4763. The serine at codon 1588 is replaced by leucine, an amino acid with dissimilar properties. This amino acid position is conserved. In addition, in silico predictors for this gene do not accurately predict pathogenicity. Based on the available evidence, the clinical significance of this variant remains unclear.

NM_000038.6(APC):c.4763C>T (p.Ser1588Leu)

Gene: APC (APC regulator of Wnt signaling pathway; plus strand). Cytogenetic location: 5q22.2.
Variant type: single nucleotide variant.
Coding change: c.4763C>T on transcript NM_000038.6 (MANE Select); coding-DNA position 4763, C replaced by T.
Protein change: p.Ser1588Leu; replaces serine 1588 with leucine.
Molecular consequence: missense variant. On other transcripts: non-coding transcript variant (2).
Genome position (GRCh38, 1-based): chr5:112,840,357, C>T. VCF-style: chr5-112840357-C-T. GRCh37 (hg19) VCF-style: chr5-112176054-C-T.
Other names: c.4763C>T, p.Ser1588Leu (NM_001127510.3, NM_001354895.2, NM_001407450.1); c.4709C>T, p.Ser1570Leu (NM_001127511.3); c.4817C>T, p.Ser1606Leu (NM_001354896.2, NM_001407447.1, NM_001407448.1 and 1 more transcripts); c.4793C>T, p.Ser1598Leu (NM_001354897.2); c.4688C>T, p.Ser1563Leu (NM_001354898.2); c.4679C>T, p.Ser1560Leu (NM_001354899.2); c.4640C>T, p.Ser1547Leu (NM_001354900.2); c.4586C>T, p.Ser1529Leu (NM_001354901.2, NM_001407453.1); and 11 more; short protein forms S1305L, S1529L, S1560L, S1570L, S1606L, S1428L, S1487L, S1505L.
Identifiers: ClinVar variation 5026044 (VCV005026044.1).
Genomic context (GRCh38, chr5:112,840,357, plus strand): 5'-ATGATGATGATATTGAAATACTAGAAGAATGTATTATTTCTGCCATGCCAACAAAGTCAT[C>T]ACGTAAAGCAAAAAAGCCAGCCCAGACTGCTTCAAAATTACCTCCACCTGTGGCAAGGAA-3'
Protein context (NP_000029.2, residues 1578-1598): CIISAMPTKS[Ser1588Leu]RKAKKPAQTA